The following is an entry in ClinVar:

ClinVar aggregate classification (germline): Uncertain significance. Review status: criteria provided, multiple submitters, no conflicts (2 of 4 stars). 3 submissions from 3 submitters: Uncertain significance (3). Last evaluated 2026-02-13.

Conditions:
Intellectual developmental disorder, autosomal dominant 44, with microcephaly. Also called: Micrognathia-recurrent infections-behavioral abnormalities-mild intellectual disability syndrome; TRIO-Related Intellectual Disability. Identifiers: Orphanet 476126, MedGen C4310740, MONDO:0014892, OMIM 617061.

Allele frequency attached by ClinVar (database versions not stated): 1000 Genomes Project 30x 0.00016; 1000 Genomes Project 0.00040.
gnomAD v4.1: 17 of 1,610,162 alleles (0.0011%); highest among the groups gnomAD compares: African/African-American, 0.004%; no homozygotes.

Submissions (3):

OLLIN Analises Genomicas, OLLIN
Classification: Uncertain significance for Intellectual developmental disorder, autosomal dominant 44, with microcephaly. Last evaluated: 2026-02-13. Review status: criteria provided, single submitter. Criteria: ACMG Guidelines 2015 PMID 25741868. Collection method: clinical testing. Allele origin: germline. Observed: 1 variant allele.
Comment: PP2, BS2

Women's Health and Genetics/Laboratory Corporation of America, LabCorp
Classification: Uncertain significance. Last evaluated: 2023-12-08. Review status: criteria provided, single submitter. Criteria: LabCorp Variant Classification Summary - May 2015. Collection method: clinical testing. Allele origin: germline.
Comment: Variant summary: TRIO c.7444G>C (p.Gly2482Arg) results in a non-conservative amino acid change in the encoded protein sequence. Three of five in-silico tools predict a damaging effect of the variant on protein function. The variant allele was found at a frequency of 1.8e-05 in 227478 control chromosomes (gnomAD). The available data on variant occurrences in the general population are insufficient to allow any conclusion about variant significance. To our knowledge, no occurrence of c.7444G>C in individuals affected with TRIO-Related Intellectual Disability and no experimental evidence demonstrating its impact on protein function have been reported. One submitter has cited clinical-significance assessments for this variant to ClinVar after 2014 and has classified the variant as uncertain significance. Based on the evidence outlined above, the variant was classified as uncertain significance.

Revvity Omics, Revvity
Classification: Uncertain significance. Last evaluated: 2021-10-20. Review status: criteria provided, single submitter. Criteria: ACMG Guidelines, 2015. Collection method: clinical testing. Allele origin: germline.

NM_007118.4(TRIO):c.7444G>C (p.Gly2482Arg)

Gene: TRIO (trio Rho guanine nucleotide exchange factor; plus strand). Cytogenetic location: 5p15.2.
Variant type: single nucleotide variant.
Coding change: c.7444G>C on transcript NM_007118.4 (MANE Select); coding-DNA position 7444, G replaced by C.
Protein change: p.Gly2482Arg; replaces glycine 2482 with arginine.
Molecular consequence: missense variant.
Genome position (GRCh38, 1-based): chr5:14,488,072, G>C. VCF-style: chr5-14488072-G-C. GRCh37 (hg19) VCF-style: chr5-14488181-G-C.
Other names: short protein forms G2482R.
Identifiers: ClinVar variation 2437310 (VCV002437310.4), dbSNP rs571329736, ClinGen allele CA3207428.